The following is an entry in ClinVar:

NM_000426.4(LAMA2):c.7991del (p.Gly2664fs)

Gene: LAMA2 (laminin subunit alpha 2; plus strand). Cytogenetic location: 6q22.33.
Variant type: Deletion.
Coding change: c.7991del on transcript NM_000426.4 (MANE Select); coding-DNA position 7991, one base deleted (G; older notation c.7991delG).
Protein change: p.Gly2664fs; shifts the reading frame from glycine 2664.
Molecular consequence: frameshift variant.
Genome position (GRCh38, 1-based): chr6:129,491,993, G deleted; the last of 5 consecutive G bases (chr6:129,491,989-129,491,993); deleting any one gives the same sequence. VCF-style (leftmost placement, unchanged base first): chr6-129491988-TG-T. GRCh37 (hg19) VCF-style: chr6-129813133-TG-T.
Other names: p.Gly2664Valfs*64; c.7991delG (NM_000426.3, NM_000426.4); c.7979del, p.Gly2660fs (NM_001079823.2); short protein forms G2660fs, G2664fs.
Identifiers: ClinVar variation 265427 (VCV000265427.22), dbSNP rs886039541, ClinGen allele CA10588409.

ClinVar aggregate classification (germline): Pathogenic. Review status: criteria provided, multiple submitters, no conflicts (2 of 4 stars). 8 submissions from 8 submitters: Pathogenic (8). Last evaluated 2026-09-28.

Conditions:
Merosin deficient congenital muscular dystrophy (MDC1A). Also called: Congenital merosin-deficient muscular dystrophy 1A; Congenital Muscular Dystrophy Type 1A (MDC1A). Identifiers: Orphanet 258, MedGen C1263858, MONDO:0011925, OMIM 607855.
LAMA2-related muscular dystrophy (LAMA2-RD). Also called: Laminin alpha 2-related dystrophy. Identifiers: MedGen C5679788, MONDO:0100228.
Muscular dystrophy, limb-girdle, autosomal recessive 23. Identifiers: Orphanet 565837, MedGen C4748327, MONDO:0029136, OMIM 618138.

Submissions (8):

GeneDx
Classification: Pathogenic. Last evaluated: 2026-09-28. Review status: criteria provided, single submitter. Criteria: GeneDx Variant Classification Process June 2021. Collection method: clinical testing. Allele origin: germline.
Comment: Frameshift variant predicted to result in protein truncation or nonsense mediated decay in a gene for which loss of function is a known mechanism of disease; Not observed at significant frequency in large population cohorts (gnomAD); This variant is associated with the following publications: (PMID: 34702656, 31066047, 30055037, 24611677)

Labcorp Genetics (formerly Invitae), Labcorp
Classification: Pathogenic for LAMA2-related muscular dystrophy. Last evaluated: 2025-09-21. Review status: criteria provided, single submitter. Criteria: Invitae Variant Classification Sherloc (09022015). Collection method: clinical testing. Allele origin: germline.
Comment: This sequence change creates a premature translational stop signal (p.Gly2664Valfs*64) in the LAMA2 gene. It is expected to result in an absent or disrupted protein product. Loss-of-function variants in LAMA2 are known to be pathogenic (PMID: 18700894, 32904964). This variant is present in population databases (no rsID available, gnomAD 0.002%). This premature translational stop signal has been observed in individual(s) with congenital muscular dystrophy (PMID: 24611677). This variant is also known as c.7987delG (p.G2663fs). ClinVar contains an entry for this variant (Variation ID: 265427). For these reasons, this variant has been classified as Pathogenic.

Mayo Clinic Laboratories, Mayo Clinic
Classification: Pathogenic. Last evaluated: 2024-06-24. Review status: criteria provided, single submitter. Criteria: ACMG Guidelines, 2015. Collection method: clinical testing. Allele origin: germline. Observed: 1 variant allele.
Comment: PM2, PM3_strong, PVS1

Women's Health and Genetics/Laboratory Corporation of America, LabCorp
Classification: Pathogenic for LAMA2-related muscular dystrophy. Last evaluated: 2024-06-06. Review status: criteria provided, single submitter. Criteria: LabCorp Variant Classification Summary - May 2015. Collection method: clinical testing. Allele origin: germline.
Comment: Variant summary: LAMA2 c.7991delG (p.Gly2664ValfsX64) results in a premature termination codon, predicted to cause a truncation of the encoded protein or absence of the protein due to nonsense mediated decay, which are commonly known mechanisms for disease. The variant allele was found at a frequency of 4e-06 in 251282 control chromosomes. c.7991delG has been reported in the literature in individuals affected with Laminin Alpha 2-Related Dystrophy (example: Tan_2021). These data indicate that the variant may be associated with disease. The following publication has been ascertained in the context of this evaluation (PMID: 34702656). ClinVar contains an entry for this variant (Variation ID: 265427). Based on the evidence outlined above, the variant was classified as pathogenic.

Fulgent Genetics
Classification: Pathogenic for Merosin deficient congenital muscular dystrophy; Muscular dystrophy, limb-girdle, autosomal recessive 23. Last evaluated: 2024-04-23. Review status: criteria provided, single submitter. Criteria: ACMG Guidelines, 2015. Collection method: clinical testing. Allele origin: germline.

Baylor Genetics
Classification: Pathogenic for Merosin deficient congenital muscular dystrophy. Last evaluated: 2023-06-20. Review status: criteria provided, single submitter. Criteria: ACMG Guidelines, 2015. Collection method: clinical testing. Allele origin: unknown.

Eurofins Ntd Llc (ga)
Classification: Pathogenic. Last evaluated: 2016-09-06. Review status: criteria provided, single submitter. Criteria: EGL Classification Definitions 2015. Collection method: clinical testing. Allele origin: germline. Observed: 1 variant allele, 1 heterozygote.

Juno Genomics, Hangzhou Juno Genomics, Inc
Classification: Pathogenic for Merosin deficient congenital muscular dystrophy; Muscular dystrophy, limb-girdle, autosomal recessive 23. Review status: criteria provided, single submitter. Criteria: ACMG Guidelines, 2015. Collection method: clinical testing. Allele origin: germline. Affected: yes.
Comment: Absent from controls (or at extremely low frequency if recessive) in Genome Aggregation Database, Exome Sequencing Project, 1000 Genomes Project, or Exome Aggregation Consortium.;Null variant in a gene where loss of function (LOF) is a known mechanism of disease.;For recessive disorders, detected in trans with a pathogenic variant.;Patient's phenotype or family history is highly specific for a disease with a single genetic etiology.

Literature cited by the submitters: PubMed 18700894 (cited by Labcorp Genetics (formerly Invitae), Labcorp); PubMed 32904964 (cited by Labcorp Genetics (formerly Invitae), Labcorp); PubMed 24611677 (cited by Labcorp Genetics (formerly Invitae), Labcorp and Mayo Clinic Laboratories, Mayo Clinic); PubMed 34702656 (cited by Mayo Clinic Laboratories, Mayo Clinic and Women's Health and Genetics/Laboratory Corporation of America, LabCorp).